The following is an entry in ClinVar:

NM_001205293.3(CACNA1E):c.5476G>T (p.Ala1826Ser)

Gene: CACNA1E (calcium voltage-gated channel subunit alpha1 E; plus strand). Cytogenetic location: 1q25.3.
Variant type: single nucleotide variant.
Coding change: c.5476G>T on transcript NM_001205293.3 (MANE Select); coding-DNA position 5476, G replaced by T.
Protein change: p.Ala1826Ser; replaces alanine 1826 with serine.
Molecular consequence: missense variant.
Genome position (GRCh38, 1-based): chr1:181,784,666, G>T. VCF-style: chr1-181784666-G-T. GRCh37 (hg19) VCF-style: chr1-181753802-G-T.
Other names: c.5476G>T, p.Ala1826Ser (NM_000721.4); c.5419G>T, p.Ala1807Ser (NM_001205294.2); short protein forms A1807S, A1826S.
Identifiers: ClinVar variation 1525116 (VCV001525116.8), dbSNP rs762378008, ClinGen allele CA343630970.

ClinVar aggregate classification (germline): Uncertain significance (1 of 4 stars; one submission).

gnomAD v4.1: 2 of 1,568,882 alleles (0.00013%); highest among the groups gnomAD compares: Non-Finnish European, 0.00017%; no homozygotes.

Submission:

Labcorp Genetics (formerly Invitae), Labcorp
Classification: Uncertain significance. Last evaluated: 2022-09-01. Review status: criteria provided, single submitter. Criteria: Invitae Variant Classification Sherloc (09022015). Collection method: clinical testing. Allele origin: germline.
Comment: This variant has not been reported in the literature in individuals affected with CACNA1E-related conditions. ClinVar contains an entry for this variant (Variation ID: 1525116). Advanced modeling of protein sequence and biophysical properties (such as structural, functional, and spatial information, amino acid conservation, physicochemical variation, residue mobility, and thermodynamic stability) performed at Invitae indicates that this missense variant is not expected to disrupt CACNA1E protein function. Algorithms developed to predict the effect of sequence changes on RNA splicing suggest that this variant may disrupt the consensus splice site. In summary, the available evidence is currently insufficient to determine the role of this variant in disease. Therefore, it has been classified as a Variant of Uncertain Significance. This sequence change replaces alanine, which is neutral and non-polar, with serine, which is neutral and polar, at codon 1826 of the CACNA1E protein (p.Ala1826Ser). This variant is not present in population databases (gnomAD no frequency).